The following is an entry in ClinVar:

ClinVar aggregate classification (germline): Benign/Likely benign. Review status: criteria provided, multiple submitters, no conflicts (2 of 4 stars). 13 submissions from 13 submitters: Benign (6); Likely benign (3). 4 of the submissions do not count toward it. Last evaluated 2026-04-20.

Conditions:
HCN4-related disorder. Also called: HCN4-related condition.
Cardiovascular phenotype. Identifiers: MedGen CN230736.
Brugada syndrome 8 (BRGDA8). Identifiers: Orphanet 130, MedGen C2751083, MONDO:0013148, OMIM 613123.

Allele frequency attached by ClinVar (database versions not stated): ESP Exome Variant Server 0.00025; TOPMed 0.00037.

Submissions (13):

Women's Health and Genetics/Laboratory Corporation of America, LabCorp
Classification: Benign. Last evaluated: 2026-04-20. Review status: criteria provided, single submitter. Criteria: LabCorp Variant Classification Summary - May 2015. Collection method: clinical testing. Allele origin: germline.

Labcorp Genetics (formerly Invitae), Labcorp
Classification: Benign for Brugada syndrome 8. Last evaluated: 2026-02-04. Review status: criteria provided, single submitter. Criteria: Invitae Variant Classification Sherloc (09022015). Collection method: clinical testing. Allele origin: germline.

Mayo Clinic Laboratories, Mayo Clinic
Classification: Likely benign. Last evaluated: 2025-08-30. Review status: criteria provided, single submitter. Criteria: ACMG Guidelines, 2015. Collection method: clinical testing. Allele origin: germline. Observed: 3 variant alleles.
Comment: BS1, BP4, BP7

ARUP Laboratories, Molecular Genetics and Genomics, ARUP Laboratories
Classification: Benign. Last evaluated: 2025-06-23. Review status: criteria provided, single submitter. Criteria: ARUP Molecular Germline Variant Investigation Process 2024. Collection method: clinical testing. Allele origin: germline.

Molecular Diagnostic Laboratory for Inherited Cardiovascular Disease, Montreal Heart Institute
Classification: Benign. Last evaluated: 2025-04-09. Review status: criteria provided, single submitter. Criteria: ACMG Guidelines, 2015. Collection method: clinical testing. Allele origin: germline. Affected: no.
Comment: BS1;BP7

Blueprint Genetics
Classification: Likely benign. Last evaluated: 2024-11-06. Review status: criteria provided, single submitter. Criteria: ACMG Guidelines, 2015. Collection method: clinical testing. Allele origin: germline.

CeGaT Center for Human Genetics Tuebingen
Classification: Likely benign. Last evaluated: 2024-06-01. Review status: criteria provided, single submitter. Criteria: CeGaT Center For Human Genetics Tuebingen Variant Classification Criteria Version 2. Collection method: clinical testing. Allele origin: germline. Affected: yes. Observed: 1 variant allele.
Comment: HCN4: BP4, BP7, BS1

GeneDx
Classification: Benign. Last evaluated: 2015-12-28. Review status: criteria provided, single submitter. Criteria: GeneDx Variant Classification (06012015). Collection method: clinical testing. Allele origin: germline. Affected: yes.
Comment: This variant is considered likely benign or benign based on one or more of the following criteria: it is a conservative change, it occurs at a poorly conserved position in the protein, it is predicted to be benign by multiple in silico algorithms, and/or has population frequency not consistent with disease.

Ambry Genetics
Classification: Benign for Cardiovascular phenotype. Last evaluated: 2015-10-13. Review status: criteria provided, single submitter. Criteria: Ambry Variant Classification Scheme 2023. Collection method: clinical testing. Allele origin: germline.

PreventionGenetics, part of Exact Sciences
Classification: Benign for HCN4-related condition. Last evaluated: 2024-01-19. Review status: no assertion criteria provided. Collection method: clinical testing. Allele origin: germline. Not counted in ClinVar's aggregate classification.
Comment: This variant is classified as benign based on ACMG/AMP sequence variant interpretation guidelines (Richards et al. 2015 PMID: 25741868, with internal and published modifications).

Clinical Genetics DNA and cytogenetics Diagnostics Lab, Erasmus MC, Erasmus Medical Center
Classification: Benign. Review status: no assertion criteria provided. Collection method: clinical testing. Allele origin: germline. Affected: yes. Study: VKGL Data-share Consensus. Not counted in ClinVar's aggregate classification.

Clinical Genetics, Academic Medical Center
Classification: Benign. Review status: no assertion criteria provided. Collection method: clinical testing. Allele origin: germline. Affected: yes. Study: VKGL Data-share Consensus. Not counted in ClinVar's aggregate classification.

Genome Diagnostics Laboratory, University Medical Center Utrecht
Classification: Benign. Review status: no assertion criteria provided. Collection method: clinical testing. Allele origin: germline. Affected: yes. Study: VKGL Data-share Consensus. Not counted in ClinVar's aggregate classification.

NM_005477.3(HCN4):c.2700C>A (p.Ala900=)

Gene: HCN4 (hyperpolarization activated cyclic nucleotide gated potassium channel 4; minus strand). Cytogenetic location: 15q24.1.
Variant type: single nucleotide variant.
Coding change: c.2700C>A on transcript NM_005477.3 (MANE Select); coding-DNA position 2700, C replaced by A.
Protein change: p.Ala900=; no amino-acid change (alanine 900 retained).
Molecular consequence: synonymous variant.
Genome position (GRCh38, 1-based): chr15:73,323,393, G>T on the plus strand (C>A on the coding strand, the complement: HCN4 is on the minus strand). VCF-style: chr15-73323393-G-T. GRCh37 (hg19) VCF-style: chr15-73615734-G-T.
Other names: p.Ala900=.
Identifiers: ClinVar variation 264375 (VCV000264375.42), dbSNP rs377656260, ClinGen allele CA7648969.